The following is an entry in ClinVar:

NM_207111.4(RNF216):c.2686G>A (p.Val896Ile)

Gene: RNF216 (ring finger protein 216; minus strand). Cytogenetic location: 7p22.1.
Variant type: single nucleotide variant.
Coding change: c.2686G>A on transcript NM_207111.4 (MANE Select); coding-DNA position 2686, G replaced by A.
Protein change: p.Val896Ile; replaces valine 896 with isoleucine.
Molecular consequence: missense variant.
Genome position (GRCh38, 1-based): chr7:5,622,946, C>T on the plus strand (G>A on the coding strand, the complement: RNF216 is on the minus strand). VCF-style: chr7-5622946-C-T. GRCh37 (hg19) VCF-style: chr7-5662577-C-T.
Other names: p.Val896Ile; c.2515G>A, p.Val839Ile (NM_207116.3); short protein forms V839I, V896I.
Identifiers: ClinVar variation 732371 (VCV000732371.15), dbSNP rs141327139, ClinGen allele CA4147718.

ClinVar aggregate classification (germline): Conflicting classifications of pathogenicity. Review status: criteria provided, conflicting classifications (1 of 4 stars). 5 submissions from 5 submitters: Uncertain significance (1); Likely benign (3). 1 of the submissions does not count toward it. Last evaluated 2026-06-01.

Conditions:
RNF216-related disorder. Also called: RNF216-related condition.

Allele frequency attached by ClinVar (database versions not stated): gnomAD exomes 0.00037; ExAC 0.00047; gnomAD 0.00151 and 0.00157; ESP Exome Variant Server 0.00169; TOPMed 0.00175; 1000 Genomes Project 0.00180; 1000 Genomes Project 30x 0.00187.
gnomAD v4.1: 464 of 1,613,964 alleles (0.029%); highest among the groups gnomAD compares: African/African-American, 0.55%; 2 homozygotes.

Submissions (5):

CeGaT Center for Human Genetics Tuebingen
Classification: Likely benign. Last evaluated: 2026-06-01. Review status: criteria provided, single submitter. Criteria: CeGaT Center For Human Genetics Tuebingen Variant Classification Criteria Version 2. Collection method: clinical testing. Allele origin: germline. Affected: yes. Observed: 1 variant allele.
Comment: RNF216: BP4

Labcorp Genetics (formerly Invitae), Labcorp
Classification: Likely benign. Last evaluated: 2026-01-25. Review status: criteria provided, single submitter. Criteria: Invitae Variant Classification Sherloc (09022015). Collection method: clinical testing. Allele origin: germline.

Mayo Clinic Laboratories, Mayo Clinic
Classification: Likely benign. Last evaluated: 2025-03-24. Review status: criteria provided, single submitter. Criteria: ACMG Guidelines, 2015. Collection method: clinical testing. Allele origin: germline. Observed: 1 variant allele.
Comment: BS1, BP4

Blueprint Genetics
Classification: Uncertain significance. Last evaluated: 2024-02-19. Review status: criteria provided, single submitter. Criteria: ACMG Guidelines, 2015. Collection method: clinical testing. Allele origin: germline.

PreventionGenetics, part of Exact Sciences
Classification: Likely benign for RNF216-related condition. Last evaluated: 2019-08-21. Review status: no assertion criteria provided. Collection method: clinical testing. Allele origin: germline. Not counted in ClinVar's aggregate classification.
Comment: This variant is classified as likely benign based on ACMG/AMP sequence variant interpretation guidelines (Richards et al. 2015 PMID: 25741868, with internal and published modifications).